The following is an entry in ClinVar:

NM_006431.3(CCT2):c.557C>T (p.Ala186Val)

Gene: CCT2 (chaperonin containing TCP1 subunit 2; plus strand). Cytogenetic location: 12q15.
Variant type: single nucleotide variant.
Coding change: c.557C>T on transcript NM_006431.3 (MANE Select); coding-DNA position 557, C replaced by T.
Protein change: p.Ala186Val; replaces alanine 186 with valine.
Molecular consequence: missense variant.
Genome position (GRCh38, 1-based): chr12:69,589,595, C>T. VCF-style: chr12-69589595-C-T. GRCh37 (hg19) VCF-style: chr12-69983375-C-T.
Other names: c.416C>T, p.Ala139Val (NM_001198842.2); short protein forms A139V, A186V.
Identifiers: ClinVar variation 4769239 (VCV004769239.1).

ClinVar aggregate classification (germline): Uncertain significance (1 of 4 stars; one submission).

Submission:

Labcorp Genetics (formerly Invitae), Labcorp
Classification: Uncertain significance. Last evaluated: 2026-01-20. Review status: criteria provided, single submitter. Criteria: Invitae Variant Classification Sherloc (09022015). Collection method: clinical testing. Allele origin: germline.
Comment: This sequence change replaces alanine, which is neutral and non-polar, with valine, which is neutral and non-polar, at codon 186 of the CCT2 protein (p.Ala186Val). This variant is not present in population databases (gnomAD no frequency). This variant has not been reported in the literature in individuals affected with CCT2-related conditions. An algorithm developed to predict the effect of missense changes on protein structure and function (PolyPhen-2) suggests that this variant is likely to be disruptive. In summary, the available evidence is currently insufficient to determine the role of this variant in disease. Therefore, it has been classified as a Variant of Uncertain Significance.